The following is an entry in ClinVar:

NM_001999.4(FBN2):c.3869A>G (p.Asn1290Ser)

Gene: FBN2 (fibrillin 2; minus strand). Cytogenetic location: 5q23.3.
Variant type: single nucleotide variant.
Coding change: c.3869A>G on transcript NM_001999.4 (MANE Select); coding-DNA position 3869, A replaced by G.
Protein change: p.Asn1290Ser; replaces asparagine 1290 with serine.
Molecular consequence: missense variant.
Genome position (GRCh38, 1-based): chr5:128,335,274, T>C on the plus strand (A>G on the coding strand, the complement: FBN2 is on the minus strand). VCF-style: chr5-128335274-T-C. GRCh37 (hg19) VCF-style: chr5-127670966-T-C.
Other names: short protein forms N1290S.
Identifiers: ClinVar variation 458764 (VCV000458764.11), dbSNP rs747182286, ClinGen allele CA3395109.

ClinVar aggregate classification (germline): Uncertain significance (1 of 4 stars; one submission).

Conditions:
Congenital contractural arachnodactyly (CCA). Also called: Beals-Hecht syndrome; BEALS SYNDROME; Arthrogryposis, distal, type 9. Identifiers: Orphanet 115, MedGen C0220668, MONDO:0007363, OMIM 121050.

Allele frequency attached by ClinVar (database versions not stated): gnomAD exomes below 0.00001; ExAC 0.00001.
gnomAD v4.1: 2 of 1,614,186 alleles (0.00012%); highest among the groups gnomAD compares: Non-Finnish European, 0.00017%; no homozygotes.

Submission:

Labcorp Genetics (formerly Invitae), Labcorp
Classification: Uncertain significance for Congenital contractural arachnodactyly. Last evaluated: 2020-02-07. Review status: criteria provided, single submitter. Criteria: Invitae Variant Classification Sherloc (09022015). Collection method: clinical testing. Allele origin: germline.
Comment: This sequence change replaces asparagine with serine at codon 1290 of the FBN2 protein (p.Asn1290Ser). The asparagine residue is highly conserved and there is a small physicochemical difference between asparagine and serine. This variant is present in population databases (rs747182286, ExAC 0.001%) but has not been reported in the literature in individuals with a FBN2-related disease. Algorithms developed to predict the effect of missense changes on protein structure and function do not agree on the potential impact of this missense change (SIFT: "Deleterious"; PolyPhen-2: "Benign"; Align-GVGD: "Class C45"). In summary, this variant is a rare missense change with uncertain impact on protein function. There is no indication that it causes disease, but the available evidence is currently insufficient to prove that conclusively. Therefore, it has been classified as a Variant of Uncertain Significance.